The following is an entry in ClinVar:

ClinVar aggregate classification (germline): Likely benign. Review status: criteria provided, multiple submitters, no conflicts (2 of 4 stars). 2 submissions from 2 submitters: Likely benign (2). Last evaluated 2026-05-11.

Conditions:
Neurofibromatosis, type 1 (NF1). Also called: VON RECKLINGHAUSEN DISEASE; NEUROFIBROMATOSIS, TYPE I, SOMATIC; Neurofibromatosis, type I; Peripheral type neurofibromatosis. Identifiers: Orphanet 636, MedGen C0027831, MONDO:0018975, OMIM 162200. Disease mechanism: loss of function.

Allele frequency attached by ClinVar (database versions not stated): gnomAD exomes 0.00001.
gnomAD v4.1: 3 of 1,538,856 alleles (0.00019%); highest among the groups gnomAD compares: South Asian, 0.0036%; no homozygotes.

Submissions (2):

Myriad Genetics, Inc.
Classification: Likely benign for Neurofibromatosis, type 1. Last evaluated: 2026-05-11. Review status: criteria provided, single submitter. Criteria: Myriad Autosomal Dominant, Autosomal Recessive and X-Linked Classification Criteria (2023). Collection method: clinical testing. Allele origin: unknown.
Comment: This variant is considered likely benign. This variant is intronic and is not expected to impact mRNA splicing.

Labcorp Genetics (formerly Invitae), Labcorp
Classification: Likely benign for Neurofibromatosis, type 1. Last evaluated: 2022-08-10. Review status: criteria provided, single submitter. Criteria: Invitae Variant Classification Sherloc (09022015). Collection method: clinical testing. Allele origin: germline.

NM_001042492.3(NF1):c.60+10C>T

Genes: MIR4733HG (MIR4733 host gene; minus strand), NF1 (neurofibromin 1; plus strand), LOC111811965 (NF1 (neurofibromin 1) promoter region; plus strand). Cytogenetic location: 17q11.2.
Variant type: single nucleotide variant.
Coding change: c.60+10C>T on transcript NM_001042492.3 (MANE Select); 10 bases into the intron after coding-DNA position 60, C replaced by T.
Molecular consequence: intron variant. On other transcripts: non-coding transcript variant (1).
Genome position (GRCh38, 1-based): chr17:31,095,379, C>T. VCF-style: chr17-31095379-C-T. GRCh37 (hg19) VCF-style: chr17-29422397-C-T.
Other names: c.60+10C>T (NM_000267.4, NM_001128147.3).
Identifiers: ClinVar variation 1615405 (VCV001615405.9), dbSNP rs1375725102, ClinGen allele CA499197569.
Genomic context (GRCh38, chr17:31,095,379, plus strand): 5'-CACAGGCCGGTGGAATGGGTCCAGGCCGTGGTCAGCCGCTTCGACGAGCAGGTAACCGGC[C>T]CGTGGCGGGCGGGAGGTGGGAGCGGAGTGGGGGTGGGGACAGAGTAGGTGAGGGGAGGTA-3'